The following is an entry in ClinVar:

NM_001854.4(COL11A1):c.1685G>A (p.Gly562Asp)

Gene: COL11A1 (collagen type XI alpha 1 chain; minus strand). Cytogenetic location: 1p21.1.
Variant type: single nucleotide variant.
Coding change: c.1685G>A on transcript NM_001854.4 (MANE Select); coding-DNA position 1685, G replaced by A.
Protein change: p.Gly562Asp; replaces glycine 562 with aspartic acid.
Molecular consequence: missense variant. On other transcripts: non-coding transcript variant (1).
Genome position (GRCh38, 1-based): chr1:103,006,314, C>T on the plus strand (G>A on the coding strand, the complement: COL11A1 is on the minus strand). VCF-style: chr1-103006314-C-T. GRCh37 (hg19) VCF-style: chr1-103471870-C-T.
Other names: c.1568G>A, p.Gly523Asp (NM_001190709.2); c.1721G>A, p.Gly574Asp (NM_080629.3); c.1337G>A, p.Gly446Asp (NM_080630.4); short protein forms G562D, G574D, G523D, G446D.
Identifiers: ClinVar variation 265698 (VCV000265698.2), dbSNP rs886039743, ClinGen allele CA10588265.
Genomic context (GRCh38, chr1:103,006,314, plus strand): 5'-AGCCATACCCTTTTTCCAGGTTTTCCCGTTGGACCAGGGGGACCCTGGACGCCTCGAGGG[C>T]CCTATATCAAGACATCATAATTAAACCATATTATAGAATTCTTGATCAATAAACTCAATA-3'
Protein context (NP_001845.3, residues 552-572): KGESGDPGPQ[Gly562Asp]PRGVQGPPGP

ClinVar aggregate classification (germline): Pathogenic (1 of 4 stars; one submission).

Submission:

GeneDx
Classification: Pathogenic. Last evaluated: 2016-08-26. Review status: criteria provided, single submitter. Criteria: GeneDx Variant Classification (06012015). Collection method: clinical testing. Allele origin: germline. Affected: yes.
Comment: The G562D pathogenic variant in the COL11A1 gene has not been reported previously as a pathogenic variant nor as a benign variant, to our knowledge. This variant was not observed in approximately 6500 individuals of European and African American ancestry in the NHLBI Exome Sequencing Project, indicating it is not a common benign variant in these populations. The G562D variant is a non-conservative amino acid substitution, which is likely to impact secondary protein structure as these residues differ in polarity, charge, size and/or other properties. This substitution occurs at a Glycine position within the triple helical region of the collagen-like 2 domain that is conserved across species, and in silico analysis predicts this variant is probably damaging to the protein structure/function. We interpret G562D as a pathogenic variant.